The following is an entry in ClinVar:

ClinVar aggregate classification (germline): Pathogenic (1 of 4 stars; one submission).

Submission:

Labcorp Genetics (formerly Invitae), Labcorp
Classification: Pathogenic. Last evaluated: 2021-08-27. Review status: criteria provided, single submitter. Criteria: Invitae Variant Classification Sherloc (09022015). Collection method: clinical testing. Allele origin: germline.
Comment: This sequence change creates a premature translational stop signal (p.Gly2844*) in the LRP2 gene. It is expected to result in an absent or disrupted protein product. Loss-of-function variants in LRP2 are known to be pathogenic (PMID: 17632512, 25682901). For these reasons, this variant has been classified as Pathogenic. This variant has not been reported in the literature in individuals affected with LRP2-related conditions. This variant is not present in population databases (ExAC no frequency).

Literature cited by the submitters: PubMed 17632512; PubMed 25682901.

NM_004525.3(LRP2):c.8530G>T (p.Gly2844Ter)

Gene: LRP2 (LDL receptor related protein 2; minus strand). Cytogenetic location: 2q31.1.
Variant type: single nucleotide variant.
Coding change: c.8530G>T on transcript NM_004525.3 (MANE Select); coding-DNA position 8530, G replaced by T.
Protein change: p.Gly2844Ter; replaces glycine 2844 with a stop codon.
Molecular consequence: nonsense.
Genome position (GRCh38, 1-based): chr2:169,198,834, C>A on the plus strand (G>T on the coding strand, the complement: LRP2 is on the minus strand). VCF-style: chr2-169198834-C-A. GRCh37 (hg19) VCF-style: chr2-170055344-C-A.
Other names: short protein forms G2844*.
Identifiers: ClinVar variation 1384479 (VCV001384479.6), dbSNP rs533432746, ClinGen allele CA349163755.